The following is an entry in ClinVar:

ClinVar aggregate classification (germline): Uncertain significance (1 of 4 stars; one submission).

Conditions:
Familial cancer of breast. Also called: hereditary breast carcinoma; Hereditary breast cancer; BREAST CANCER, FAMILIAL. Identifiers: Orphanet 227535, MedGen C0346153, MONDO:0016419, OMIM 114480. Disease mechanism: loss of function.

Submission:

Labcorp Genetics (formerly Invitae), Labcorp
Classification: Uncertain significance for Familial cancer of breast. Last evaluated: 2021-07-22. Review status: criteria provided, single submitter. Criteria: Invitae Variant Classification Sherloc (09022015). Collection method: clinical testing. Allele origin: germline.
Comment: In summary, the available evidence is currently insufficient to determine the role of this variant in disease. Therefore, it has been classified as a Variant of Uncertain Significance. Algorithms developed to predict the effect of missense changes on protein structure and function are either unavailable or do not agree on the potential impact of this missense change (SIFT: "Tolerated"; PolyPhen-2: "Probably Damaging"; Align-GVGD: "Class C0"). This variant has not been reported in the literature in individuals affected with PALB2-related conditions. This variant is not present in population databases (ExAC no frequency). This sequence change replaces leucine with isoleucine at codon 1144 of the PALB2 protein (p.Leu1144Ile). The leucine residue is highly conserved and there is a small physicochemical difference between leucine and isoleucine.

NM_024675.4(PALB2):c.3430C>A (p.Leu1144Ile)

Gene: PALB2 (partner and localizer of BRCA2; minus strand). Cytogenetic location: 16p12.2.
Variant type: single nucleotide variant.
Coding change: c.3430C>A on transcript NM_024675.4 (MANE Select); coding-DNA position 3430, C replaced by A.
Protein change: p.Leu1144Ile; replaces leucine 1144 with isoleucine.
Molecular consequence: missense variant.
Genome position (GRCh38, 1-based): chr16:23,603,590, G>T on the plus strand (C>A on the coding strand, the complement: PALB2 is on the minus strand). VCF-style: chr16-23603590-G-T. GRCh37 (hg19) VCF-style: chr16-23614911-G-T.
Other names: short protein forms L1144I.
Identifiers: ClinVar variation 1369336 (VCV001369336.9), dbSNP rs1966401863, ClinGen allele CA395138173.
Genomic context (GRCh38, chr16:23,603,590, plus strand): 5'-ATTTCACAAAAGACCAATGTTGGTCAGAGACAGGTGGGAGGAGGGCAGTACACTGACCGA[G>T]AAGTAAGTCCCAAATGGCAATTGTTCCAGAAGTCAAGATTGCTGCTGCACAGTGATCTTT-3'
Protein context (NP_078951.2, residues 1134-1154): SGTIAIWDLL[Leu1144Ile]GQCTALLPPV